The following is an entry in ClinVar:

NM_003630.3(PEX3):c.856C>T (p.Arg286Ter)

Gene: PEX3 (peroxisomal biogenesis factor 3; plus strand). Cytogenetic location: 6q24.2.
Variant type: single nucleotide variant.
Coding change: c.856C>T on transcript NM_003630.3 (MANE Select); coding-DNA position 856, C replaced by T.
Protein change: p.Arg286Ter; replaces arginine 286 with a stop codon.
Molecular consequence: nonsense.
Genome position (GRCh38, 1-based): chr6:143,479,113, C>T. VCF-style: chr6-143479113-C-T. GRCh37 (hg19) VCF-style: chr6-143800250-C-T.
Other names: short protein forms R286*.
Identifiers: ClinVar variation 598102 (VCV000598102.10), dbSNP rs147556993, ClinGen allele CA365886077.
Genomic context (GRCh38, chr6:143,479,113, plus strand): 5'-CTTATACTTCTTACTTTATATAGCCCAGATTTTAGTACAGTTTTGAATACCTGTTTAAAC[C>T]GAGGTTTTAGTAGACTTCTAGACAATATGGCTGAGTTCTTTCGACCTACTGAACAGGACC-3'

ClinVar aggregate classification (germline): Pathogenic. Review status: criteria provided, multiple submitters, no conflicts (2 of 4 stars). 2 submissions from 2 submitters: Pathogenic (2). Last evaluated 2024-04-25.

gnomAD v4.1: 4 of 1,589,040 alleles (0.00025%); highest among the groups gnomAD compares: South Asian, 0.0011%; no homozygotes.

Submissions (2):

Labcorp Genetics (formerly Invitae), Labcorp
Classification: Pathogenic. Last evaluated: 2024-04-25. Review status: criteria provided, single submitter. Criteria: Invitae Variant Classification Sherloc (09022015). Collection method: clinical testing. Allele origin: germline.
Comment: This sequence change creates a premature translational stop signal (p.Arg286*) in the PEX3 gene. It is expected to result in an absent or disrupted protein product. Loss-of-function variants in PEX3 are known to be pathogenic (PMID: 10942428, 21031596). This variant is not present in population databases (gnomAD no frequency). This premature translational stop signal has been observed in individual(s) with Zellweger syndrome (PMID: 20033294). ClinVar contains an entry for this variant (Variation ID: 598102). Algorithms developed to predict the effect of sequence changes on RNA splicing suggest that this variant may disrupt the consensus splice site. For these reasons, this variant has been classified as Pathogenic.

Eurofins Ntd Llc (ga)
Classification: Pathogenic. Last evaluated: 2018-07-23. Review status: criteria provided, single submitter. Criteria: EGL ClinVar v180209 classification definitions. Collection method: clinical testing. Allele origin: germline. Observed: 1 variant allele, 1 heterozygote.

Literature cited by the submitters: PubMed 10942428 (cited by Labcorp Genetics (formerly Invitae), Labcorp); PubMed 21031596 (cited by Labcorp Genetics (formerly Invitae), Labcorp); PubMed 20033294 (cited by Labcorp Genetics (formerly Invitae), Labcorp).